The following is an entry in ClinVar:

ClinVar aggregate classification (germline): Uncertain significance (1 of 4 stars; one submission).

Conditions:
Hereditary spastic paraplegia 11. Also called: Spastic paraplegia, mental retardation and thin corpus callosum; Spastic Paraplegia 11; Nakamura Osame syndrome; Autosomal recessive hereditary spastic paraplegia, mental impairment, and thin corpus callosum; SPASTIC PARAPLEGIA, AUTOSOMAL RECESSIVE, COMPLICATED, WITH THIN CORPUS CALLOSUM; SPASTIC PARAPLEGIA, AUTOSOMAL RECESSIVE, WITH MENTAL IMPAIRMENT AND THIN CORPUS CALLOSUM. Identifiers: Orphanet 2822, MedGen C1858479, MONDO:0011445, OMIM 604360.

gnomAD v4.1: 2 of 1,614,050 alleles (0.00012%); highest among the groups gnomAD compares: Non-Finnish European, 0.00017%; no homozygotes.

Submission:

Labcorp Genetics (formerly Invitae), Labcorp
Classification: Uncertain significance for Hereditary spastic paraplegia 11. Last evaluated: 2022-06-13. Review status: criteria provided, single submitter. Criteria: Invitae Variant Classification Sherloc (09022015). Collection method: clinical testing. Allele origin: germline.
Comment: In summary, the available evidence is currently insufficient to determine the role of this variant in disease. Therefore, it has been classified as a Variant of Uncertain Significance. Algorithms developed to predict the effect of missense changes on protein structure and function output the following: SIFT: "Deleterious"; PolyPhen-2: "Probably Damaging"; Align-GVGD: "Class C0". The leucine amino acid residue is found in multiple mammalian species, which suggests that this missense change does not adversely affect protein function. This variant has not been reported in the literature in individuals affected with SPG11-related conditions. This variant is not present in population databases (gnomAD no frequency). This sequence change replaces proline, which is neutral and non-polar, with leucine, which is neutral and non-polar, at codon 310 of the SPG11 protein (p.Pro310Leu).

NM_025137.4(SPG11):c.929C>T (p.Pro310Leu)

Gene: SPG11 (SPG11 vesicle trafficking associated, spatacsin; minus strand). Cytogenetic location: 15q21.1.
Variant type: single nucleotide variant.
Coding change: c.929C>T on transcript NM_025137.4 (MANE Select); coding-DNA position 929, C replaced by T.
Protein change: p.Pro310Leu; replaces proline 310 with leucine.
Molecular consequence: missense variant.
Genome position (GRCh38, 1-based): chr15:44,652,207, G>A on the plus strand (C>T on the coding strand, the complement: SPG11 is on the minus strand). VCF-style: chr15-44652207-G-A. GRCh37 (hg19) VCF-style: chr15-44944405-G-A.
Other names: c.929C>T, p.Pro310Leu (NM_001160227.2, NM_001411132.1); short protein forms P310L.
Identifiers: ClinVar variation 1950664 (VCV001950664.5), dbSNP rs1309889775, ClinGen allele CA392236977.